The following is an entry in ClinVar:

NM_000302.4(PLOD1):c.1763G>T (p.Arg588Leu)

Gene: PLOD1 (procollagen-lysine,2-oxoglutarate 5-dioxygenase 1; plus strand). Cytogenetic location: 1p36.22.
Variant type: single nucleotide variant.
Coding change: c.1763G>T on transcript NM_000302.4 (MANE Select); coding-DNA position 1763, G replaced by T.
Protein change: p.Arg588Leu; replaces arginine 588 with leucine.
Molecular consequence: missense variant.
Genome position (GRCh38, 1-based): chr1:11,970,677, G>T. VCF-style: chr1-11970677-G-T. GRCh37 (hg19) VCF-style: chr1-12030734-G-T.
Other names: c.1904G>T, p.Arg635Leu (NM_001316320.2); short protein forms R588L, R635L.
Identifiers: ClinVar variation 529352 (VCV000529352.8), dbSNP rs755346019, ClinGen allele CA338448930.
Genomic context (GRCh38, chr1:11,970,677, plus strand): 5'-GCCTGGGGGCCATCCTAGAATTCTGCCTAAACATTCACCTCGGTCACCTCCAGGACAACC[G>T]CATCCAGGGTGGCTACGAGAACGTGCCGACTATTGACATCCACATGAACCAGATCGGCTT-3'
Protein context (NP_000293.2, residues 578-598): QWSLGNNKDN[Arg588Leu]IQGGYENVPT

ClinVar aggregate classification (germline): Uncertain significance. Review status: criteria provided, multiple submitters, no conflicts (2 of 4 stars). 3 submissions from 3 submitters: Uncertain significance (3). Last evaluated 2025-08-28.

Conditions:
Ehlers-Danlos syndrome, kyphoscoliotic type 1 (EDSKSCL1). Also called: EHLERS-DANLOS SYNDROME, TYPE VIA; PLOD1-Related Kyphoscoliotic Ehlers-Danlos Syndrome; Ehlers-Danlos syndrome, hydroxylysine-deficient; EHLERS-DANLOS SYNDROME, OCULAR-SCOLIOTIC TYPE. Identifiers: Orphanet 1900, MedGen C0268342, MONDO:0016002, OMIM 225400. Disease mechanism: loss of function.
Familial thoracic aortic aneurysm and aortic dissection (TAAD). Also called: Thoracic aortic aneurysms and dissections. Identifiers: Orphanet 91387, MedGen C4707243, MONDO:0019625.

Submissions (3):

Ambry Genetics
Classification: Uncertain significance for Familial thoracic aortic aneurysm and aortic dissection. Last evaluated: 2025-08-28. Review status: criteria provided, single submitter. Criteria: Ambry Variant Classification Scheme 2023. Collection method: clinical testing. Allele origin: germline.
Comment: The p.R588L variant (also known as c.1763G>T), located in coding exon 17 of the PLOD1 gene, results from a G to T substitution at nucleotide position 1763. The arginine at codon 588 is replaced by leucine, an amino acid with dissimilar properties. This amino acid position is conserved. In addition, this alteration is predicted to be deleterious by in silico analysis. Based on the available evidence, the clinical significance of this variant remains unclear.

GeneDx
Classification: Uncertain significance. Last evaluated: 2024-05-28. Review status: criteria provided, single submitter. Criteria: GeneDx Variant Classification Process June 2021. Collection method: clinical testing. Allele origin: germline. Affected: yes.
Comment: Not observed at significant frequency in large population cohorts (gnomAD); In silico analysis supports that this missense variant has a deleterious effect on protein structure/function; Has not been previously published as pathogenic or benign to our knowledge

Labcorp Genetics (formerly Invitae), Labcorp
Classification: Uncertain significance for Ehlers-Danlos syndrome, kyphoscoliotic type 1. Last evaluated: 2021-08-31. Review status: criteria provided, single submitter. Criteria: Invitae Variant Classification Sherloc (09022015). Collection method: clinical testing. Allele origin: germline.
Comment: This sequence change replaces arginine with leucine at codon 588 of the PLOD1 protein (p.Arg588Leu). The arginine residue is highly conserved and there is a moderate physicochemical difference between arginine and leucine. This variant is not present in population databases (ExAC no frequency). This variant has not been reported in the literature in individuals affected with PLOD1-related conditions. Algorithms developed to predict the effect of missense changes on protein structure and function are either unavailable or do not agree on the potential impact of this missense change (SIFT: "Deleterious"; PolyPhen-2: "Probably Damaging"; Align-GVGD: "Class C0"). In summary, the available evidence is currently insufficient to determine the role of this variant in disease. Therefore, it has been classified as a Variant of Uncertain Significance.